The following is an entry in ClinVar:

ClinVar aggregate classification (germline): Likely pathogenic (1 of 4 stars; one submission).

Conditions:
Gamma-aminobutyric acid transaminase deficiency (GABATD). Also called: GABA transaminase deficiency; Gamma aminobutyrate transaminase deficiency; 4 alpha aminobutyrate transaminase deficiency; GABA aminotransaminase deficiency. Identifiers: Orphanet 2066, MedGen C0342708, MONDO:0013166, OMIM 613163.

Submission:

Labcorp Genetics (formerly Invitae), Labcorp
Classification: Likely pathogenic for Gamma-aminobutyric acid transaminase deficiency. Last evaluated: 2020-03-23. Review status: criteria provided, single submitter. Criteria: Invitae Variant Classification Sherloc (09022015). Collection method: clinical testing. Allele origin: germline.
Comment: Algorithms developed to predict the effect of sequence changes on RNA splicing suggest that this variant may disrupt the consensus splice site, but this prediction has not been confirmed by published transcriptional studies. This variant has not been reported in the literature in individuals with ABAT-related conditions. This variant is not present in population databases (ExAC no frequency). This sequence change affects an acceptor splice site in intron 13 of the ABAT gene. It is expected to disrupt RNA splicing and likely results in an absent or disrupted protein product. Donor and acceptor splice site variants typically lead to a loss of protein function (PMID: 16199547), and loss-of-function variants in ABAT are known to be pathogenic (PMID: 20052547, 25738457). In summary, the currently available evidence indicates that the variant is pathogenic, but additional data are needed to prove that conclusively. Therefore, this variant has been classified as Likely Pathogenic.

Literature cited by the submitters: PubMed 16199547; PubMed 20052547; PubMed 25738457.

NM_020686.6(ABAT):c.1123-1G>A

Gene: ABAT (4-aminobutyrate aminotransferase; plus strand). Cytogenetic location: 16p13.2.
Variant type: single nucleotide variant.
Coding change: c.1123-1G>A on transcript NM_020686.6 (MANE Select); the canonical splice acceptor site of the intron before coding-DNA position 1123, G replaced by A.
Molecular consequence: splice acceptor variant.
Genome position (GRCh38, 1-based): chr16:8,776,343, G>A. VCF-style: chr16-8776343-G-A. GRCh37 (hg19) VCF-style: chr16-8870200-G-A.
Other names: c.1123-1G>A (NM_001386602.1, NM_001386609.1, NM_001386603.1 and 6 more transcripts); c.1219-1G>A (NM_001386615.1); c.1084-1G>A (NM_001386605.1); c.1060-1G>A (NM_001386607.1, NM_001386606.1); c.1030-1G>A (NM_001386608.1); c.988-1G>A (NM_001386610.1, NM_001386611.1); c.877-1G>A (NM_001386614.1); c.925-1G>A (NM_001386612.1, NM_001386613.1).
Identifiers: ClinVar variation 1067743 (VCV001067743.7), dbSNP rs1596472500, ClinGen allele CA394690127.